The following is an entry in ClinVar:

NM_001165963.4(SCN1A):c.2468A>G (p.Asp823Gly)

Gene: SCN1A (sodium voltage-gated channel alpha subunit 1; minus strand). Cytogenetic location: 2q24.3.
Variant type: single nucleotide variant.
Coding change: c.2468A>G on transcript NM_001165963.4 (MANE Select); coding-DNA position 2468, A replaced by G.
Protein change: p.Asp823Gly; replaces aspartic acid 823 with glycine.
Molecular consequence: missense variant. On other transcripts: non-coding transcript variant (1).
Genome position (GRCh38, 1-based): chr2:166,039,544, T>C on the plus strand (A>G on the coding strand, the complement: SCN1A is on the minus strand). VCF-style: chr2-166039544-T-C. GRCh37 (hg19) VCF-style: chr2-166896054-T-C.
Other names: c.2384A>G, p.Asp795Gly (NM_001165964.3, NM_001353957.2, NM_001353958.2); c.2468A>G, p.Asp823Gly (NM_001202435.3, NM_001353948.2); c.2435A>G, p.Asp812Gly (NM_001353949.2, NM_001353950.2, NM_001353951.2 and 2 more transcripts); c.2432A>G, p.Asp811Gly (NM_001353954.2, NM_001353955.2); c.2381A>G, p.Asp794Gly (NM_001353960.2); c.26A>G, p.Asp9Gly (NM_001353961.2); c.2468A>G (NM_001202435.1); short protein forms D823G, D9G, D794G, D795G, D811G, D812G.
Identifiers: ClinVar variation 955335 (VCV000955335.14), dbSNP rs1035633632, ClinGen allele CA59790503.

ClinVar aggregate classification (germline): Uncertain significance. Review status: criteria provided, multiple submitters, no conflicts (2 of 4 stars). 4 submissions from 4 submitters: Uncertain significance (4). Last evaluated 2026-04-13.

Conditions:
Early-infantile DEE. Also called: Early infantile epileptic encephalopathy with suppression bursts; Early infantile epileptic encephalopathy; Ohtahara syndrome. Identifiers: Orphanet 1934, MedGen C0393706, MONDO:0800491.
SCN1A-related disorder. Also called: SCN1A-related conditions; SCN1A-related condition; SCN1A-related disorders.

Allele frequency attached by ClinVar (database versions not stated): gnomAD 0.00001.
gnomAD v4.1: 2 of 1,613,722 alleles (0.00012%); highest among the groups gnomAD compares: Admixed American, 0.0033%; no homozygotes.

Submissions (4):

Dasa
Classification: Uncertain significance. Last evaluated: 2026-04-13. Review status: criteria provided, single submitter. Criteria: DASA Assertion Criteria. Collection method: clinical testing. Allele origin: germline.
Comment: NM_001165963.4(SCN1A):c.2468A>G (p.Asp823Gly) is a missense variant that results in the substitution of aspartic acid with glycine. The affected residue or protein region has prior evidence supporting clinical relevance. This variant is rare in population databases. Computational prediction algorithms are consistent with a deleterious effect. The currently available literature and clinical evidence are not sufficient to establish a definitive association between this variant and the reported condition. Therefore, this variant is classified as a variant of uncertain significance.

Labcorp Genetics (formerly Invitae), Labcorp
Classification: Uncertain significance for Early-infantile DEE. Last evaluated: 2025-03-23. Review status: criteria provided, single submitter. Criteria: Invitae Variant Classification Sherloc (09022015). Collection method: clinical testing. Allele origin: germline.
Comment: This sequence change replaces aspartic acid, which is acidic and polar, with glycine, which is neutral and non-polar, at codon 823 of the SCN1A protein (p.Asp823Gly). This variant is not present in population databases (gnomAD no frequency). This variant has not been reported in the literature in individuals affected with SCN1A-related conditions. ClinVar contains an entry for this variant (Variation ID: 955335). Invitae Evidence Modeling of protein sequence and biophysical properties (such as structural, functional, and spatial information, amino acid conservation, physicochemical variation, residue mobility, and thermodynamic stability) indicates that this missense variant is expected to disrupt SCN1A protein function with a positive predictive value of 95%. In summary, the available evidence is currently insufficient to determine the role of this variant in disease. Therefore, it has been classified as a Variant of Uncertain Significance.

GeneDx
Classification: Uncertain significance. Last evaluated: 2024-12-20. Review status: criteria provided, single submitter. Criteria: GeneDx Variant Classification Process June 2021. Collection method: clinical testing. Allele origin: germline. Affected: yes.
Comment: In silico analysis supports that this missense variant has a deleterious effect on protein structure/function; Has not been previously published as pathogenic or benign to our knowledge; This substitution is predicted to be within the intracellular loop between the S2 and S3 transmembrane segments of the second homologous domain

PreventionGenetics, part of Exact Sciences
Classification: Uncertain significance for SCN1A-related condition. Last evaluated: 2024-12-20. Review status: criteria provided, single submitter. Criteria: ACMG Guidelines, 2015. Collection method: clinical testing. Allele origin: germline.
Comment: The SCN1A c.2468A>G variant is predicted to result in the amino acid substitution p.Asp823Gly. To our knowledge, this variant has not been reported in the literature or in a large population database (gnomAD), indicating this variant is rare. At this time, the clinical significance of this variant is uncertain due to the absence of conclusive functional and genetic evidence.